The following is an entry in ClinVar:

ClinVar aggregate classification (germline): Uncertain significance (1 of 4 stars; one submission).

Allele frequency attached by ClinVar (database versions not stated): ExAC 0.00001; gnomAD 0.00001.
gnomAD v4.1: 1 of 1,613,600 alleles (0.000062%); highest among the groups gnomAD compares: Non-Finnish European, 0.000085%; no homozygotes.

Submission:

CeGaT Center for Human Genetics Tuebingen
Classification: Uncertain significance. Last evaluated: 2022-07-01. Review status: criteria provided, single submitter. Criteria: CeGaT Center For Human Genetics Tuebingen Variant Classification Criteria Version 2. Collection method: clinical testing. Allele origin: germline. Affected: yes. Observed: 1 variant allele.
Comment: KMT2A: PP3

NM_001197104.2(KMT2A):c.3605C>G (p.Ser1202Cys)

Gene: KMT2A (lysine methyltransferase 2A; plus strand). Cytogenetic location: 11q23.3.
Variant type: single nucleotide variant.
Coding change: c.3605C>G on transcript NM_001197104.2 (MANE Select); coding-DNA position 3605, C replaced by G.
Protein change: p.Ser1202Cys; replaces serine 1202 with cysteine.
Molecular consequence: missense variant.
Genome position (GRCh38, 1-based): chr11:118,480,209, C>G. VCF-style: chr11-118480209-C-G. GRCh37 (hg19) VCF-style: chr11-118350924-C-G.
Other names: c.3704C>G, p.Ser1235Cys (NM_001412597.1); c.3605C>G, p.Ser1202Cys (NM_005933.4); short protein forms S1202C, S1235C.
Identifiers: ClinVar variation 2642423 (VCV002642423.24), dbSNP rs782651115, ClinGen allele CA6303683.